The following is an entry in ClinVar:

ClinVar aggregate classification (germline): Uncertain significance (1 of 4 stars; one submission).

Allele frequency attached by ClinVar (database versions not stated): gnomAD exomes below 0.00001 and 0.00001; TOPMed 0.00001; ExAC 0.00002; gnomAD 0.00002 and 0.00003.
gnomAD v4.1: 5 of 1,613,890 alleles (0.00031%); highest among the groups gnomAD compares: African/African-American, 0.0067%; no homozygotes.

Submission:

Labcorp Genetics (formerly Invitae), Labcorp
Classification: Uncertain significance. Last evaluated: 2025-07-14. Review status: criteria provided, single submitter. Criteria: Invitae Variant Classification Sherloc (09022015). Collection method: clinical testing. Allele origin: germline.
Comment: This sequence change replaces alanine, which is neutral and non-polar, with valine, which is neutral and non-polar, at codon 837 of the PDE6A protein (p.Ala837Val). This variant is present in population databases (rs757358359, gnomAD 0.02%). This variant has not been reported in the literature in individuals affected with PDE6A-related conditions. ClinVar contains an entry for this variant (Variation ID: 857813). Invitae Evidence Modeling of protein sequence and biophysical properties (such as structural, functional, and spatial information, amino acid conservation, physicochemical variation, residue mobility, and thermodynamic stability) indicates that this missense variant is not expected to disrupt PDE6A protein function with a negative predictive value of 95%. In summary, the available evidence is currently insufficient to determine the role of this variant in disease. Therefore, it has been classified as a Variant of Uncertain Significance.

NM_000440.3(PDE6A):c.2510C>T (p.Ala837Val)

Gene: PDE6A (phosphodiesterase 6A; minus strand). Cytogenetic location: 5q32.
Variant type: single nucleotide variant.
Coding change: c.2510C>T on transcript NM_000440.3 (MANE Select); coding-DNA position 2510, C replaced by T.
Protein change: p.Ala837Val; replaces alanine 837 with valine.
Molecular consequence: missense variant.
Genome position (GRCh38, 1-based): chr5:149,860,968, G>A on the plus strand (C>T on the coding strand, the complement: PDE6A is on the minus strand). VCF-style: chr5-149860968-G-A. GRCh37 (hg19) VCF-style: chr5-149240531-G-A.
Other names: short protein forms A837V.
Identifiers: ClinVar variation 857813 (VCV000857813.9), dbSNP rs757358359, ClinGen allele CA3504249.